The following is an entry in ClinVar:

NM_012144.4(DNAI1):c.238_239insCTGTCTCTTAT (p.Asn80fs)

Gene: DNAI1 (dynein axonemal intermediate chain 1; plus strand). Cytogenetic location: 9p13.3.
Variant type: Insertion.
Coding change: c.238_239insCTGTCTCTTAT on transcript NM_012144.4 (MANE Select); coding-DNA positions 238 to 239, CTGTCTCTTAT inserted.
Protein change: p.Asn80fs; shifts the reading frame from asparagine 80.
Molecular consequence: frameshift variant.
Genome position: GRCh38 VCF-style: chr9-34485494-A-ACTGTCTCTTAT. GRCh37 (hg19) VCF-style: chr9-34485492-A-ACTGTCTCTTAT.
Other names: c.238_239insCTGTCTCTTAT, p.Asn80fs (NM_001281428.2); short protein forms N80fs.
Identifiers: ClinVar variation 5011204 (VCV005011204.1).

ClinVar aggregate classification (germline): Pathogenic (1 of 4 stars; one submission).

Conditions:
Kartagener syndrome (CILD1). Also called: CILIARY DYSKINESIA, PRIMARY, 1; CILIARY DYSKINESIA, PRIMARY, 1, WITH OR WITHOUT SITUS INVERSUS; IMMOTILE CILIA SYNDROME; POLYNESIAN BRONCHIECTASIS; Dextrocardia bronchiectasis and sinusitis; SIEWERT SYNDROME. Identifiers: Orphanet 244, MedGen C4551906, MONDO:0009484, OMIM 244400.

Submission:

Myriad Genetics, Inc.
Classification: Pathogenic for Kartagener syndrome. Last evaluated: 2024-05-14. Review status: criteria provided, single submitter. Criteria: Myriad Autosomal Dominant, Autosomal Recessive and X-Linked Classification Criteria (2023). Collection method: clinical testing. Allele origin: unknown.
Comment: NM_012144.2(DNAI1):c.238_239ins11(N80Tfs*22) is expected to be pathogenic in the context of primary ciliary dyskinesia, DNAI1-related. This variant is predicted to lead to an abnormal or absent protein product due to the creation of a premature termination codon in DNAI1, a gene where loss-of-function variants are known to be pathogenic. Please note: this variant was assessed in the context of healthy population screening.